The following is an entry in ClinVar:

ClinVar aggregate classification (germline): Uncertain significance (1 of 4 stars; one submission).

Conditions:
Autosomal dominant polycystic kidney disease. Identifiers: Orphanet 730, MedGen C0085413, MONDO:0004691.

gnomAD v4.1: 1 of 1,522,316 alleles (0.000066%); highest among the groups gnomAD compares: Non-Finnish European, 0.000088%; no homozygotes.

Submission:

Labcorp Genetics (formerly Invitae), Labcorp
Classification: Uncertain significance for Autosomal dominant polycystic kidney disease. Last evaluated: 2024-12-19. Review status: criteria provided, single submitter. Criteria: Invitae Variant Classification Sherloc (09022015). Collection method: clinical testing. Allele origin: germline.
Comment: This sequence change replaces glutamic acid, which is acidic and polar, with lysine, which is basic and polar, at codon 100 of the PKD2 protein (p.Glu100Lys). The frequency data for this variant in the population databases is considered unreliable, as metrics indicate poor data quality at this position in the gnomAD database. This variant has not been reported in the literature in individuals affected with PKD2-related conditions. An algorithm developed to predict the effect of missense changes on protein structure and function (PolyPhen-2) suggests that this variant is likely to be tolerated. In summary, the available evidence is currently insufficient to determine the role of this variant in disease. Therefore, it has been classified as a Variant of Uncertain Significance.

NM_000297.4(PKD2):c.298G>A (p.Glu100Lys)

Genes: PKD2 (polycystin 2, transient receptor potential cation channel; plus strand), LOC129992813 (ATAC-STARR-seq lymphoblastoid silent region 15559; plus strand). Cytogenetic location: 4q22.1.
Variant type: single nucleotide variant.
Coding change: c.298G>A on transcript NM_000297.4 (MANE Select); coding-DNA position 298, G replaced by A.
Protein change: p.Glu100Lys; replaces glutamic acid 100 with lysine.
Molecular consequence: missense variant. On other transcripts: non-coding transcript variant (1).
Genome position (GRCh38, 1-based): chr4:88,008,031, G>A. VCF-style: chr4-88008031-G-A. GRCh37 (hg19) VCF-style: chr4-88929183-G-A.
Other names: short protein forms E100K.
Identifiers: ClinVar variation 3677789 (VCV003677789.2).
Genomic context (GRCh38, chr4:88,008,031, plus strand): 5'-TCGTCGTGCTCCCGGCAGGCGTGGAGCCGCGATAACCCCGGCTTCGAGGCCGAGGAGGAG[G>A]AGGAGGAGGTGGAAGGGGAAGAAGGCGGAATGGTGGTGGAGATGGACGTAGAGTGGCGCC-3'
Protein context (NP_000288.1, residues 90-110): DNPGFEAEEE[Glu100Lys]EEVEGEEGGM